The following is an entry in ClinVar:

ClinVar aggregate classification (germline): Likely pathogenic (1 of 4 stars; one submission).

Conditions:
Mitochondrial hypertrophic cardiomyopathy with lactic acidosis due to MTO1 deficiency. Also called: Combined oxidative phosphorylation deficiency 10; CARDIOMYOPATHY, INFANTILE HYPERTROPHIC MITOCHONDRIAL, AND LACTIC ACIDOSIS. Identifiers: Orphanet 314637, MedGen C4749921, MONDO:0013865, OMIM 614702.

Submission:

Labcorp Genetics (formerly Invitae), Labcorp
Classification: Likely pathogenic for Mitochondrial hypertrophic cardiomyopathy with lactic acidosis due to MTO1 deficiency. Last evaluated: 2022-07-17. Review status: criteria provided, single submitter. Criteria: Invitae Variant Classification Sherloc (09022015). Collection method: clinical testing. Allele origin: germline.
Comment: This variant has not been reported in the literature in individuals affected with MTO1-related conditions. This variant results in a copy number gain of the genomic region encompassing exon(s) 8-9 of the MTO1 gene. While the exact position of this variant cannot be determined from the data, sub-genic copy number gains are generally in tandem (PMID: 25640679). This variant is predicted to be out-of-frame, and may result in an absent or disrupted protein product. Loss-of-function variants in MTO1 are known to be pathogenic (PMID: 22608499, 25058219). In summary, the currently available evidence indicates that the variant is pathogenic, but additional data are needed to prove that conclusively. Therefore, this variant has been classified as Likely Pathogenic.

Literature cited by the submitters: PubMed 25640679; PubMed 22608499; PubMed 25058219.

NC_000006.11:g.(?_74191743)_(74192363_?)dup

Gene: MTO1 (mitochondrial tRNA translation optimization 1; plus strand). Cytogenetic location: 6q13.
Variant type: Duplication.
Identifiers: ClinVar variation 2425767 (VCV002425767.4).